The following is an entry in ClinVar:

ClinVar aggregate classification (germline): Conflicting classifications of pathogenicity. Review status: criteria provided, conflicting classifications (1 of 4 stars). 3 submissions from 3 submitters: Uncertain significance (2); Likely benign (1). Last evaluated 2025-02-28.

Conditions:
Arrhythmogenic right ventricular dysplasia 5. Also called: Arrhythmogenic Right Ventricular Dysplasia/Cardiomyopathy 5; ARRHYTHMOGENIC RIGHT VENTRICULAR DYSPLASIA, FAMILIAL, 5. Identifiers: MedGen C1858379, MONDO:0011459, OMIM 604400.
Cardiovascular phenotype. Identifiers: MedGen CN230736.

Allele frequency attached by ClinVar (database versions not stated): gnomAD exomes below 0.00001.
gnomAD v4.1: 4 of 1,614,192 alleles (0.00025%); highest among the groups gnomAD compares: Admixed American, 0.0017%; no homozygotes.

Submissions (3):

Ambry Genetics
Classification: Likely benign for Cardiovascular phenotype. Last evaluated: 2025-02-28. Review status: criteria provided, single submitter. Criteria: Ambry Variant Classification Scheme 2023. Collection method: clinical testing. Allele origin: germline.

All of Us Research Program, National Institutes of Health
Classification: Uncertain significance for Arrhythmogenic right ventricular dysplasia 5. Last evaluated: 2023-02-24. Review status: criteria provided, single submitter. Criteria: ACMG Guidelines, 2015. Collection method: clinical testing. Allele origin: germline. Inheritance: Autosomal dominant inheritance. Observed: 1 variant allele, 1 heterozygote.
Comment: This missense variant replaces histidine with arginine at codon 109 of the TMEM43 protein. Computational prediction suggests that this variant may not impact protein structure and function (internally defined REVEL score threshold <= 0.5, PMID: 27666373). To our knowledge, functional studies have not been reported for this variant. This variant has not been reported in individuals affected with TMEM43-related disorders in the literature. This variant has been identified in 1/251290 chromosomes in the general population by the Genome Aggregation Database (gnomAD). The available evidence is insufficient to determine the role of this variant in disease conclusively. Therefore, this variant is classified as a Variant of Uncertain Significance.

This study involves interpretation of variants in research participants for the purpose of population health screening. Participant phenotype was not available at the time of variant classification. Additional details can be found in publication PMID: 35346344, PMCID: PMC8962531

Labcorp Genetics (formerly Invitae), Labcorp
Classification: Uncertain significance for Arrhythmogenic right ventricular dysplasia 5. Last evaluated: 2021-09-01. Review status: criteria provided, single submitter. Criteria: Invitae Variant Classification Sherloc (09022015). Collection method: clinical testing. Allele origin: germline.
Comment: This sequence change replaces histidine with arginine at codon 109 of the TMEM43 protein (p.His109Arg). The histidine residue is weakly conserved and there is a small physicochemical difference between histidine and arginine. This variant is not present in population databases (ExAC no frequency). This variant has not been reported in the literature in individuals affected with TMEM43-related conditions. Algorithms developed to predict the effect of missense changes on protein structure and function (SIFT, PolyPhen-2, Align-GVGD) all suggest that this variant is likely to be tolerated. In summary, the available evidence is currently insufficient to determine the role of this variant in disease. Therefore, it has been classified as a Variant of Uncertain Significance.

NM_024334.3(TMEM43):c.326A>G (p.His109Arg)

Gene: TMEM43 (transmembrane protein 43; plus strand). Cytogenetic location: 3p25.1.
Variant type: single nucleotide variant.
Coding change: c.326A>G on transcript NM_024334.3 (MANE Select); coding-DNA position 326, A replaced by G.
Protein change: p.His109Arg; replaces histidine 109 with arginine.
Molecular consequence: missense variant.
Genome position (GRCh38, 1-based): chr3:14,131,608, A>G. VCF-style: chr3-14131608-A-G. GRCh37 (hg19) VCF-style: chr3-14173108-A-G.
Other names: c.326A>G (NM_024334.2); short protein forms H109R.
Identifiers: ClinVar variation 1005419 (VCV001005419.8), dbSNP rs1398278496, ClinGen allele CA351534816.